The following is an entry in ClinVar:

NM_001134363.3(RBM20):c.2521del (p.Arg841fs)

Gene: RBM20 (RNA binding motif protein 20; plus strand). Cytogenetic location: 10q25.2.
Variant type: Deletion.
Coding change: c.2521del on transcript NM_001134363.3 (MANE Select); coding-DNA position 2521, one base deleted (A; older notation c.2521delA).
Protein change: p.Arg841fs; shifts the reading frame from arginine 841.
Molecular consequence: frameshift variant.
Genome position (GRCh38, 1-based): chr10:110,812,918, A deleted. VCF-style (leftmost placement, unchanged base first): chr10-110812917-TA-T. GRCh37 (hg19) VCF-style: chr10-112572675-TA-T.
Other names: short protein forms R841fs.
Identifiers: ClinVar variation 664985 (VCV000664985.6), dbSNP rs1590696621, ClinGen allele CA915947607.

ClinVar aggregate classification (germline): Pathogenic (1 of 4 stars; one submission).

Conditions:
Dilated cardiomyopathy 1DD (CMD1DD). Identifiers: Orphanet 154, MedGen C2750995, MONDO:0013168, OMIM 613172.

Submission:

Labcorp Genetics (formerly Invitae), Labcorp
Classification: Pathogenic for Dilated cardiomyopathy 1DD. Last evaluated: 2026-01-06. Review status: criteria provided, single submitter. Criteria: Invitae Variant Classification Sherloc (09022015). Collection method: clinical testing. Allele origin: germline.
Comment: This sequence change creates a premature translational stop signal (p.Arg841Glufs*69) in the RBM20 gene. It is expected to result in an absent or disrupted protein product. Loss-of-function variants in RBM20 are known to be pathogenic (PMID: 20590677, 22004663, 38288598, 38510713, 40339755). This variant is not present in population databases (gnomAD no frequency). This variant has not been reported in the literature in individuals affected with RBM20-related conditions. ClinVar contains an entry for this variant (Variation ID: 664985). For these reasons, this variant has been classified as Pathogenic.

Literature cited by the submitters: PubMed 20590677; PubMed 22004663; PubMed 38288598; PubMed 38510713; PubMed 40339755.